The following is an entry in ClinVar:

ClinVar aggregate classification (germline): Uncertain significance. Review status: criteria provided, multiple submitters, no conflicts (2 of 4 stars). 2 submissions from 2 submitters: Uncertain significance (2). Last evaluated 2022-05-25.

Conditions:
Autosomal recessive early-onset Parkinson disease 6 (PARK6). Also called: PINK1 Type of Young-Onset Parkinson Disease; PARKINSON DISEASE 6, EARLY-ONSET; PINK1-Related Parkinson Disease; PARKINSON DISEASE 6, MODIFIER OF. Identifiers: Orphanet 2828, MedGen C1853833, MONDO:0011613, OMIM 605909.

Allele frequency attached by ClinVar (database versions not stated): gnomAD 0.00002; TOPMed 0.00002.
gnomAD v4.1: 65 of 1,613,962 alleles (0.004%); highest among the groups gnomAD compares: Non-Finnish European, 0.005%; no homozygotes.

Submissions (3):

Fulgent Genetics
Classification: Uncertain significance for Autosomal recessive early-onset Parkinson disease 6. Last evaluated: 2022-05-25. Review status: criteria provided, single submitter. Criteria: ACMG Guidelines, 2015. Collection method: clinical testing. Allele origin: unknown.

Labcorp Genetics (formerly Invitae), Labcorp
Classification: Uncertain significance for Autosomal recessive early-onset Parkinson disease 6. Last evaluated: 2021-11-29. Review status: criteria provided, single submitter. Criteria: Invitae Variant Classification Sherloc (09022015). Collection method: clinical testing. Allele origin: germline.
Comment: In summary, the available evidence is currently insufficient to determine the role of this variant in disease. Therefore, it has been classified as a Variant of Uncertain Significance. Variants that disrupt the consensus splice site are a relatively common cause of aberrant splicing (PMID: 17576681, 9536098). Algorithms developed to predict the effect of sequence changes on RNA splicing suggest that this variant may disrupt the consensus splice site. This variant has not been reported in the literature in individuals affected with PINK1-related conditions. This variant is present in population databases (rs758604046, gnomAD 0.004%). This sequence change falls in intron 4 of the PINK1 gene. It does not directly change the encoded amino acid sequence of the PINK1 protein. It affects a nucleotide within the consensus splice site.

Dr. Peter K. Rogan Lab, Western University
No classification provided (evidence only). Condition: Familial cancer of breast. Review status: no classification provided. Collection method: in vitro. Allele origin: not applicable. Functional consequence: skipped exon, retained intron. Not counted in ClinVar's aggregate classification.

Literature cited by the submitters: PubMed 17576681 (cited by Labcorp Genetics (formerly Invitae), Labcorp); PubMed 9536098 (cited by Labcorp Genetics (formerly Invitae), Labcorp).

NM_032409.3(PINK1):c.959+4A>T

Genes: PINK1 (PTEN induced kinase 1; plus strand), PINK1-AS (PINK1 antisense RNA; minus strand). Cytogenetic location: 1p36.12.
Variant type: single nucleotide variant.
Coding change: c.959+4A>T on transcript NM_032409.3 (MANE Select); 4 bases into the intron after coding-DNA position 959, A replaced by T.
Molecular consequence: intron variant.
Genome position (GRCh38, 1-based): chr1:20,644,676, A>T. VCF-style: chr1-20644676-A-T. GRCh37 (hg19) VCF-style: chr1-20971169-A-T.
Identifiers: ClinVar variation 1370933 (VCV001370933.8), dbSNP rs758604046, ClinGen allele CA660589.